The following is an entry in ClinVar:

ClinVar aggregate classification (germline): Uncertain significance (1 of 4 stars; one submission).

Allele frequency attached by ClinVar (database versions not stated): gnomAD exomes below 0.00001; ExAC 0.00001.
gnomAD v4.1: 2 of 1,614,180 alleles (0.00012%); highest among the groups gnomAD compares: Admixed American, 0.0033%; no homozygotes.

Submission:

Labcorp Genetics (formerly Invitae), Labcorp
Classification: Uncertain significance. Last evaluated: 2023-12-06. Review status: criteria provided, single submitter. Criteria: Invitae Variant Classification Sherloc (09022015). Collection method: clinical testing. Allele origin: germline.
Comment: This sequence change replaces threonine, which is neutral and polar, with alanine, which is neutral and non-polar, at codon 869 of the VCAN protein (p.Thr869Ala). This variant is present in population databases (rs757945772, gnomAD 0.003%). This variant has not been reported in the literature in individuals affected with VCAN-related conditions. ClinVar contains an entry for this variant (Variation ID: 1939578). Algorithms developed to predict the effect of missense changes on protein structure and function output the following: SIFT: "Not Available"; PolyPhen-2: "Benign"; Align-GVGD: "Not Available". The alanine amino acid residue is found in multiple mammalian species, which suggests that this missense change does not adversely affect protein function. In summary, the available evidence is currently insufficient to determine the role of this variant in disease. Therefore, it has been classified as a Variant of Uncertain Significance.

NM_004385.5(VCAN):c.2605A>G (p.Thr869Ala)

Gene: VCAN (versican; plus strand). Cytogenetic location: 5q14.3.
Variant type: single nucleotide variant.
Coding change: c.2605A>G on transcript NM_004385.5 (MANE Select); coding-DNA position 2605, A replaced by G.
Protein change: p.Thr869Ala; replaces threonine 869 with alanine.
Molecular consequence: missense variant. On other transcripts: intron variant (2).
Genome position (GRCh38, 1-based): chr5:83,520,911, A>G. VCF-style: chr5-83520911-A-G. GRCh37 (hg19) VCF-style: chr5-82816730-A-G.
Other names: c.2605A>G, p.Thr869Ala (NM_001164098.2); c.1042+8515A>G (NM_001164097.2, NM_001126336.3); short protein forms T869A.
Identifiers: ClinVar variation 1939578 (VCV001939578.5), dbSNP rs757945772, ClinGen allele CA3332866.